The following is an entry in ClinVar:

NM_000059.4(BRCA2):c.2468C>T (p.Ala823Val)

Gene: BRCA2 (BRCA2 DNA repair associated; plus strand). Cytogenetic location: 13q13.1.
Variant type: single nucleotide variant.
Coding change: c.2468C>T on transcript NM_000059.4 (MANE Select); coding-DNA position 2468, C replaced by T.
Protein change: p.Ala823Val; replaces alanine 823 with valine.
Molecular consequence: missense variant.
Genome position (GRCh38, 1-based): chr13:32,336,823, C>T. VCF-style: chr13-32336823-C-T. GRCh37 (hg19) VCF-style: chr13-32910960-C-T.
Other names: short protein forms A823V.
Identifiers: ClinVar variation 1321031 (VCV001321031.6), dbSNP rs1555282694, ClinGen allele CA387772357.

ClinVar aggregate classification (germline): Conflicting classifications of pathogenicity. Review status: criteria provided, conflicting classifications (1 of 4 stars). 3 submissions from 3 submitters: Uncertain significance (1); Likely benign (2). Last evaluated 2023-03-23.

Conditions:
Hereditary cancer-predisposing syndrome. Also called: Hereditary neoplastic syndrome; Neoplastic Syndromes, Hereditary; Tumor predisposition; Hereditary Cancer Syndrome. Identifiers: Orphanet 140162, MedGen C0027672, MeSH D009386, MONDO:0015356.

Submissions (3):

University of Washington Department of Laboratory Medicine, University of Washington
Classification: Likely benign for Hereditary cancer-predisposing syndrome. Last evaluated: 2023-03-23. Review status: criteria provided, single submitter. Criteria: Dines et al. (Genet Med. 2020). Collection method: curation. Allele origin: germline.
Comment: Missense variant in a coldspot region where missense variants are very unlikely to be pathogenic (PMID:31911673).

BRCA2 exon 11 coldspot. Reclassification based on statistical prior probability.

Ambry Genetics
Classification: Likely benign for Hereditary cancer-predisposing syndrome. Last evaluated: 2021-11-06. Review status: criteria provided, single submitter. Criteria: Ambry Variant Classification Scheme 2023. Collection method: clinical testing. Allele origin: germline.

GeneDx
Classification: Uncertain significance. Last evaluated: 2020-06-25. Review status: criteria provided, single submitter. Criteria: GeneDx Variant Classification Process June 2021. Collection method: clinical testing. Allele origin: germline. Affected: yes.
Comment: Has not been previously published as pathogenic or benign to our knowledge; Not observed in large population cohorts (Lek 2016); In silico analysis supports that this missense variant does not alter protein structure/function; Also known as 2696C>T